The following is an entry in ClinVar:

ClinVar aggregate classification (germline): Conflicting classifications of pathogenicity. Review status: criteria provided, conflicting classifications (1 of 4 stars). 8 submissions from 8 submitters: Uncertain significance (5); Benign (1); Likely benign (2). Last evaluated 2026-02-01.

Conditions:
Collagen 6-related myopathy. Identifiers: MedGen CN117976, MONDO:0100225.
Bethlem myopathy 1A. Also called: MYOPATHY, BENIGN CONGENITAL, WITH CONTRACTURES; Bethlem myopathy 1; Bethlem Muscular Dystrophy. Identifiers: Orphanet 610, MedGen CN029274, MONDO:0024530, OMIM 158810.
Inborn genetic diseases. Identifiers: MedGen C0950123, MeSH D030342.

Allele frequency attached by ClinVar (database versions not stated): TOPMed 0.00013; ExAC 0.00016; ESP Exome Variant Server 0.00016.

Submissions (8):

Labcorp Genetics (formerly Invitae), Labcorp
Classification: Likely benign for Bethlem myopathy 1A. Last evaluated: 2026-02-01. Review status: criteria provided, single submitter. Criteria: Invitae Variant Classification Sherloc (09022015). Collection method: clinical testing. Allele origin: germline.

Ambry Genetics
Classification: Uncertain significance for Inborn genetic diseases. Last evaluated: 2025-05-14. Review status: criteria provided, single submitter. Criteria: Ambry Variant Classification Scheme 2023. Collection method: clinical testing. Allele origin: germline.

Blueprint Genetics
Classification: Uncertain significance. Last evaluated: 2024-09-19. Review status: criteria provided, single submitter. Criteria: ACMG Guidelines, 2015. Collection method: clinical testing. Allele origin: germline.

Women's Health and Genetics/Laboratory Corporation of America, LabCorp
Classification: Likely benign. Last evaluated: 2024-05-17. Review status: criteria provided, single submitter. Criteria: LabCorp Variant Classification Summary - May 2015. Collection method: clinical testing. Allele origin: germline.
Comment: Variant summary: COL6A1 c.631C>T (p.Arg211Cys) results in a non-conservative amino acid change located in the von Willebrand factor, type A (IPR002035) of the encoded protein sequence. Five of five in-silico tools predict a damaging effect of the variant on protein function. The variant allele was found at a frequency of 0.00012 in 155946 control chromosomes. The observed variant frequency is approximately 243-fold of the estimated maximal expected allele frequency for a pathogenic variant in COL6A1 causing Collagen Type VI-Related Disorders phenotype (4.8e-07), strongly suggesting that the variant is benign. To our knowledge, c.631C>T has not been reported in the literature in individuals affected with Collagen Type VI-Related Disorders and no experimental evidence demonstrating an impact on protein function has been reported. The following publication has been ascertained in the context of this evaluation (PMID: 26566670). ClinVar contains an entry for this variant (Variation ID: 429802). Based on the evidence outlined above, the variant was classified as likely benign.

Revvity Omics, Revvity
Classification: Uncertain significance. Last evaluated: 2024-04-10. Review status: criteria provided, single submitter. Criteria: ACMG Guidelines, 2015. Collection method: clinical testing. Allele origin: germline.

GeneDx
Classification: Uncertain significance. Last evaluated: 2024-03-05. Review status: criteria provided, single submitter. Criteria: GeneDx Variant Classification Process June 2021. Collection method: clinical testing. Allele origin: germline. Affected: yes.
Comment: In silico analysis supports that this missense variant has a deleterious effect on protein structure/function; Has not been previously published as pathogenic or benign to our knowledge

Laboratory of Medical Genetics, National & Kapodistrian University of Athens
Classification: Uncertain significance for Bethlem myopathy 1A. Last evaluated: 2021-10-06. Review status: criteria provided, single submitter. Criteria: ACMG Guidelines, 2015. Collection method: clinical testing. Allele origin: unknown. Affected: yes.
Comment: PM2, PP2, PP3

Illumina Laboratory Services, Illumina
Classification: Benign for Collagen VI-related myopathy. Last evaluated: 2018-01-12. Review status: criteria provided, single submitter. Criteria: ICSL Variant Classification Criteria 13 December 2019. Collection method: clinical testing. Allele origin: germline.
Comment: This variant was observed in the ICSL laboratory as part of a predisposition screen in an ostensibly healthy population. It had not been previously curated by ICSL or reported in the Human Gene Mutation Database (HGMD: prior to June 1st, 2018), and was therefore a candidate for classification through an automated scoring system. Utilizing variant allele frequency, disease prevalence and penetrance estimates, and inheritance mode, an automated score was calculated to assess if this variant is too frequent to cause the disease. Based on the score and internal cut-off values, a variant classified as benign is not then subjected to further curation. The score for this variant resulted in a classification of benign for this disease.

Literature cited by the submitters: PubMed 26566670 (cited by Women's Health and Genetics/Laboratory Corporation of America, LabCorp).

NM_001848.3(COL6A1):c.631C>T (p.Arg211Cys)

Gene: COL6A1 (collagen type VI alpha 1 chain; plus strand). Cytogenetic location: 21q22.3.
Variant type: single nucleotide variant.
Coding change: c.631C>T on transcript NM_001848.3 (MANE Select); coding-DNA position 631, C replaced by T.
Protein change: p.Arg211Cys; replaces arginine 211 with cysteine.
Molecular consequence: missense variant.
Genome position (GRCh38, 1-based): chr21:45,986,986, C>T. VCF-style: chr21-45986986-C-T. GRCh37 (hg19) VCF-style: chr21-47406900-C-T.
Other names: short protein forms R211C.
Identifiers: ClinVar variation 429802 (VCV000429802.23), dbSNP rs375217284, ClinGen allele CA10069639.